The following is an entry in ClinVar:

ClinVar aggregate classification (germline): Uncertain significance (1 of 4 stars; one submission).

Conditions:
Sulfite oxidase deficiency due to molybdenum cofactor deficiency type C. Also called: Molybdenum cofactor deficiency, complementation group C; Molybdenum cofactor deficiency C. Identifiers: Orphanet 308400, Orphanet 833, MedGen C1854990, MONDO:0014212, OMIM 615501.

Submission:

Labcorp Genetics (formerly Invitae), Labcorp
Classification: Uncertain significance for Sulfite oxidase deficiency due to molybdenum cofactor deficiency type C. Last evaluated: 2023-12-01. Review status: criteria provided, single submitter. Criteria: Invitae Variant Classification Sherloc (09022015). Collection method: clinical testing. Allele origin: germline.
Comment: This sequence change falls in intron 1 of the GPHN gene. It does not directly change the encoded amino acid sequence of the GPHN protein. It affects a nucleotide within the consensus splice site. This variant is not present in population databases (gnomAD no frequency). This variant has not been reported in the literature in individuals affected with GPHN-related conditions. Variants that disrupt the consensus splice site are a relatively common cause of aberrant splicing (PMID: 17576681, 9536098). Algorithms developed to predict the effect of sequence changes on RNA splicing suggest that this variant is not likely to affect RNA splicing. In summary, the available evidence is currently insufficient to determine the role of this variant in disease. Therefore, it has been classified as a Variant of Uncertain Significance.

Literature cited by the submitters: PubMed 17576681; PubMed 9536098.

NM_020806.5(GPHN):c.64+3A>G

Gene: GPHN (gephyrin; plus strand). Cytogenetic location: 14q23.3.
Variant type: single nucleotide variant.
Coding change: c.64+3A>G on transcript NM_020806.5 (MANE Select); 3 bases into the intron after coding-DNA position 64, A replaced by G.
Molecular consequence: intron variant.
Genome position (GRCh38, 1-based): chr14:66,508,594, A>G. VCF-style: chr14-66508594-A-G. GRCh37 (hg19) VCF-style: chr14-66975312-A-G.
Other names: c.64+3A>G (NM_001377514.1, NM_001377519.1, NM_001377515.1 and 4 more transcripts).
Identifiers: ClinVar variation 2772226 (VCV002772226.3), dbSNP rs2547721389, ClinGen allele CA2697553972.
Genomic context (GRCh38, chr14:66,508,594, plus strand): 5'-ACCGAGGGAATGATCCTTACTAACCACGACCATCAAATCCGTGTCGGAGTCCTTACAGGT[A>G]ACCGGGGGAGGAGGTCTGGGACCTATGAGGCTGCTGTCCCTGCATTGCCTTAGGCTTTTC-3'